The following is an entry in ClinVar:

ClinVar aggregate classification (germline): Pathogenic (1 of 4 stars; one submission).

Conditions:
Neuropathy, hereditary sensory, type 2C. Also called: KIF1A-Related HSAN2 (HSAN2C); Hereditary sensory and autonomic neuropathy type IIC. Identifiers: Orphanet 970, MedGen C3280168, MONDO:0013634, OMIM 614213.
Hereditary spastic paraplegia 30. Identifiers: Orphanet 101010, MedGen C5235139, MONDO:0012476.
Intellectual disability, autosomal dominant 9 (NESCAVS). Also called: NESCAV SYNDROME; KIF1A-Related Neurodevelopmental Disorder. Identifiers: Orphanet 662367, MedGen C5393830, MONDO:0013656, OMIM 614255.

Submission:

Labcorp Genetics (formerly Invitae), Labcorp
Classification: Pathogenic for Hereditary spastic paraplegia 30; Neuropathy, hereditary sensory, type 2C; Intellectual disability, autosomal dominant 9. Last evaluated: 2024-02-02. Review status: criteria provided, single submitter. Criteria: Invitae Variant Classification Sherloc (09022015). Collection method: clinical testing. Allele origin: germline.
Comment: This sequence change replaces leucine, which is neutral and non-polar, with valine, which is neutral and non-polar, at codon 372 of the KIF1A protein (p.Leu372Val). This variant is not present in population databases (gnomAD no frequency). This missense change has been observed in individual(s) with clinical features of autosomal dominant KIF1A-related conditions (Invitae). In at least one individual the variant was observed to be de novo. Advanced modeling of protein sequence and biophysical properties (such as structural, functional, and spatial information, amino acid conservation, physicochemical variation, residue mobility, and thermodynamic stability) performed at Invitae indicates that this missense variant is expected to disrupt KIF1A protein function with a positive predictive value of 95%. For these reasons, this variant has been classified as Pathogenic.

NM_001244008.2(KIF1A):c.1114C>G (p.Leu372Val)

Gene: KIF1A (kinesin family member 1A; minus strand). Cytogenetic location: 2q37.3.
Variant type: single nucleotide variant.
Coding change: c.1114C>G on transcript NM_001244008.2 (MANE Select); coding-DNA position 1114, C replaced by G.
Protein change: p.Leu372Val; replaces leucine 372 with valine.
Molecular consequence: missense variant.
Genome position (GRCh38, 1-based): chr2:240,773,180, G>C on the plus strand (C>G on the coding strand, the complement: KIF1A is on the minus strand). VCF-style: chr2-240773180-G-C. GRCh37 (hg19) VCF-style: chr2-241712597-G-C.
Other names: c.1114C>G, p.Leu372Val (NM_001320705.2, NM_001330289.2, NM_001330290.2 and 21 more transcripts); short protein forms L372V.
Identifiers: ClinVar variation 2952198 (VCV002952198.3), dbSNP rs2537927812, ClinGen allele CA351295391.